The following is an entry in ClinVar:

ClinVar aggregate classification (germline): Conflicting classifications of pathogenicity. Review status: criteria provided, conflicting classifications (1 of 4 stars). 2 submissions from 2 submitters: Uncertain significance (1); Likely benign (1). Last evaluated 2023-03-08.

Conditions:
Nemaline myopathy 2 (NEM2). Also called: Nemaline myopathy 2, autosomal recessive. Identifiers: MedGen C1850569, MONDO:0009725, OMIM 256030.

Allele frequency attached by ClinVar (database versions not stated): TOPMed below 0.00001; gnomAD 0.00001; gnomAD exomes 0.00001.

Submissions (2):

Labcorp Genetics (formerly Invitae), Labcorp
Classification: Likely benign for Nemaline myopathy 2. Last evaluated: 2023-03-08. Review status: criteria provided, single submitter. Criteria: Invitae Variant Classification Sherloc (09022015). Collection method: clinical testing. Allele origin: germline.

GeneDx
Classification: Uncertain significance. Last evaluated: 2020-01-30. Review status: criteria provided, single submitter. Criteria: GeneDx Variant Classification Process June 2021. Collection method: clinical testing. Allele origin: germline. Affected: yes.
Comment: Not observed at a significant frequency in large population cohorts (Lek et al., 2016); Has not been previously published as pathogenic or benign to our knowledge; In-silico analysis, which includes splice predictors and evolutionary conservation, is inconclusive as to whether the variant alters gene splicing. In the absence of RNA/functional studies, the actual effect of this sequence change is unknown.

NM_001164508.2(NEB):c.25298-12_25298-10del

Genes: NEB (nebulin; minus strand), RIF1 (replication timing regulatory factor 1; plus strand). Cytogenetic location: 2q23.3.
Variant type: Deletion.
Coding change: c.25298-12_25298-10del on transcript NM_001164508.2 (MANE Select); 12 bases into the intron before coding-DNA position 25298 through 10 bases into the intron before coding-DNA position 25298, 3 bases deleted (CCT; older notation c.25298-12_25298-10delCCT).
Molecular consequence: intron variant.
Genome position (GRCh38, 1-based): chr2:151,490,087-151,490,089, AGG deleted on the plus strand (CCT on the coding strand, the reverse complement: NEB is on the minus strand). VCF-style (leftmost placement, unchanged base first): chr2-151490086-AAGG-A. GRCh37 (hg19) VCF-style: chr2-152346600-AAGG-A.
Other names: c.19730-12_19730-10del (NM_004543.5); c.25298-12_25298-10del (NM_001164507.2); c.25403-12_25403-10del (NM_001271208.2).
Identifiers: ClinVar variation 1314677 (VCV001314677.5), dbSNP rs1296705502, ClinGen allele CA758878664.